The following is an entry in ClinVar:

NM_017986.4(SLC52A1):c.1292del (p.Ser431fs)

Gene: SLC52A1 (solute carrier family 52 member 1; minus strand). Cytogenetic location: 17p13.2.
Variant type: Deletion.
Coding change: c.1292del on transcript NM_017986.4 (MANE Select); coding-DNA position 1292, one base deleted (G; older notation c.1292delG).
Protein change: p.Ser431fs; shifts the reading frame from serine 431.
Molecular consequence: frameshift variant.
Genome position (GRCh38, 1-based): chr17:5,033,012, C deleted on the plus strand (G on the coding strand, the reverse complement: SLC52A1 is on the minus strand). VCF-style (leftmost placement, unchanged base first): chr17-5033011-GC-G. GRCh37 (hg19) VCF-style: chr17-4936306-GC-G.
Other names: c.1292del, p.Ser431fs (NM_001104577.2); short protein forms S431fs.
Identifiers: ClinVar variation 2719740 (VCV002719740.1), dbSNP rs754376857, ClinGen allele CA8319573.

ClinVar aggregate classification (germline): Uncertain significance (1 of 4 stars; one submission).

Conditions:
Ariboflavinosis. Identifiers: MedGen C5779638, MONDO:0004573, OMIM 615026.

Allele frequency attached by ClinVar (database versions not stated): TOPMed below 0.00001; gnomAD exomes 0.00001; ExAC 0.00002.

Submission:

Labcorp Genetics (formerly Invitae), Labcorp
Classification: Uncertain significance for Vitamin B2 deficiency. Last evaluated: 2023-05-22. Review status: criteria provided, single submitter. Criteria: Invitae Variant Classification Sherloc (09022015). Collection method: clinical testing. Allele origin: germline.
Comment: This variant has not been reported in the literature in individuals affected with SLC52A1-related conditions. This variant is present in population databases (rs754376857, gnomAD 0.0009%). This sequence change creates a premature translational stop signal (p.Ser431Thrfs*13) in the SLC52A1 gene. While this is not anticipated to result in nonsense mediated decay, it is expected to disrupt the last 18 amino acid(s) of the SLC52A1 protein. In summary, the available evidence is currently insufficient to determine the role of this variant in disease. Therefore, it has been classified as a Variant of Uncertain Significance.